The following is an entry in ClinVar:

ClinVar aggregate classification (germline): Uncertain significance (1 of 4 stars; one submission).

Conditions:
Congenital stationary night blindness 1E. Also called: Night blindness, congenital stationary (complete), 1E, autosomal recessive. Identifiers: Orphanet 215, MedGen C3281215, MONDO:0013807, OMIM 614565.

gnomAD v4.1: 101 of 1,613,996 alleles (0.0063%); highest among the groups gnomAD compares: Non-Finnish European, 0.0079%; no homozygotes.

Submission:

Labcorp Genetics (formerly Invitae), Labcorp
Classification: Uncertain significance. Last evaluated: 2024-04-08. Review status: criteria provided, single submitter. Criteria: Invitae Variant Classification Sherloc (09022015). Collection method: clinical testing. Allele origin: germline.
Comment: This sequence change affects codon 1233 of the GPR179 mRNA. It is a 'silent' change, meaning that it does not change the encoded amino acid sequence of the GPR179 protein. This variant is present in population databases (rs35803744, gnomAD 0.004%). This variant has not been reported in the literature in individuals affected with GPR179-related conditions. Experimental studies and prediction algorithms are not available or were not evaluated, and the effect of this variant on mRNA splicing is currently unknown. In summary, the available evidence is currently insufficient to determine the role of this variant in disease. Therefore, it has been classified as a Variant of Uncertain Significance.

NM_001004334.4(GPR179):c.3699G>A (p.Leu1233=)

Gene: GPR179 (G protein-coupled receptor 179; minus strand). Cytogenetic location: 17q12.
Variant type: single nucleotide variant.
Coding change: c.3699G>A on transcript NM_001004334.4 (MANE Select); coding-DNA position 3699, G replaced by A.
Protein change: p.Leu1233=; no amino-acid change (leucine 1233 retained).
Molecular consequence: synonymous variant.
Genome position (GRCh38, 1-based): chr17:38,329,870, C>T on the plus strand (G>A on the coding strand, the complement: GPR179 is on the minus strand). VCF-style: chr17-38329870-C-T. GRCh37 (hg19) VCF-style: chr17-36485753-G-T.
Other names: c.3699G>A (NM_001004334.3).
Identifiers: ClinVar variation 1495772 (VCV001495772.5), dbSNP rs35803744, ClinGen allele CA290104877.
Genomic context (GRCh38, chr17:38,329,870, plus strand): 5'-CGTTTCTGATTCAGTGACCTCCCAGGGGCATACCTCTGCCACCCTGTGGTCAGCGCTGCC[C>T]AGGGACTGGAGGCCAGCTTTGGGCAGTTCCTGCCACCCGACAGGGGTTTCTTTTGATTGC-3'
Protein context (NP_001004334.3, residues 1223-1243): QELPKAGLQS[Leu1233=]GSADHRVAEV